The following is an entry in ClinVar:

NM_012233.3(RAB3GAP1):c.1477del (p.Glu493fs)

Gene: RAB3GAP1 (RAB3 GTPase activating protein catalytic subunit 1; plus strand). Cytogenetic location: 2q21.3.
Variant type: Deletion.
Coding change: c.1477del on transcript NM_012233.3 (MANE Select); coding-DNA position 1477, one base deleted (G; older notation c.1477delG).
Protein change: p.Glu493fs; shifts the reading frame from glutamic acid 493.
Molecular consequence: frameshift variant.
Genome position (GRCh38, 1-based): chr2:135,134,011, G deleted; the last of 3 consecutive G bases (chr2:135,134,009-135,134,011); deleting any one gives the same sequence. VCF-style (leftmost placement, unchanged base first): chr2-135134008-TG-T. GRCh37 (hg19) VCF-style: chr2-135891578-TG-T.
Other names: c.1477del, p.Glu493fs (NM_001172435.2); c.1477delG (NM_012233.3); short protein forms E493fs.
Identifiers: ClinVar variation 3902378 (VCV003902378.2).

ClinVar aggregate classification (germline): Pathogenic/Likely pathogenic. Review status: criteria provided, multiple submitters, no conflicts (2 of 4 stars). 2 submissions from 2 submitters: Pathogenic (1); Likely pathogenic (1). Last evaluated 2025-05-08.

Conditions:
RAB3GAP1-related disorder. Also called: RAB3GAP1-related condition; RAB3GAP1-related disorders.

Submissions (2):

Women's Health and Genetics/Laboratory Corporation of America, LabCorp
Classification: Pathogenic for RAB3GAP1-Related Disorders. Last evaluated: 2025-05-08. Review status: criteria provided, single submitter. Criteria: LabCorp Variant Classification Summary - May 2015. Collection method: clinical testing. Allele origin: germline.
Comment: Variant summary: RAB3GAP1 c.1477delG (p.Glu493LysfsX5) results in a premature termination codon, predicted to cause a truncation of the encoded protein or absence of the protein due to nonsense mediated decay, which are commonly known mechanisms for disease. The variant was absent in 251370 control chromosomes. To our knowledge, no occurrence of c.1477delG in individuals affected with RAB3GAP1-Related Disorders and no experimental evidence demonstrating its impact on protein function have been reported. No submitters have cited clinical-significance assessments for this variant to ClinVar. Based on the evidence outlined above, the variant was classified as pathogenic.

Blueprint Genetics
Classification: Likely pathogenic for RAB3GAP1-related disorders. Last evaluated: 2022-09-22. Review status: criteria provided, single submitter. Criteria: ACMG Guidelines, 2015. Collection method: clinical testing. Allele origin: germline. Affected: yes. Observed: 5 variant alleles.